The following is an entry in ClinVar:

NM_030665.4(RAI1):c.549G>A (p.Leu183=)

Gene: RAI1 (retinoic acid induced 1; plus strand). Cytogenetic location: 17p11.2.
Variant type: single nucleotide variant.
Coding change: c.549G>A on transcript NM_030665.4 (MANE Select); coding-DNA position 549, G replaced by A.
Protein change: p.Leu183=; no amino-acid change (leucine 183 retained).
Molecular consequence: synonymous variant.
Genome position (GRCh38, 1-based): chr17:17,793,497, G>A. VCF-style: chr17-17793497-G-A. GRCh37 (hg19) VCF-style: chr17-17696811-G-A.
Other names: c.549G>A (NM_030665.3).
Identifiers: ClinVar variation 2147686 (VCV002147686.5), dbSNP rs756649285, ClinGen allele CA8418150.

ClinVar aggregate classification (germline): Likely benign. Review status: criteria provided, multiple submitters, no conflicts (2 of 4 stars). 2 submissions from 2 submitters: Likely benign (2). Last evaluated 2025-08-31.

Conditions:
RAI1-related disorder. Also called: RAI1-related condition.

Allele frequency attached by ClinVar (database versions not stated): gnomAD exomes below 0.00001; ExAC 0.00001; gnomAD 0.00001; TOPMed 0.00003.

Submissions (2):

PreventionGenetics, part of Exact Sciences
Classification: Likely benign for RAI1-related condition. Last evaluated: 2025-08-31. Review status: criteria provided, single submitter. Criteria: ACMG Guidelines, 2015. Collection method: clinical testing. Allele origin: germline.
Comment: This variant is classified as likely benign based on ACMG/AMP sequence variant interpretation guidelines (Richards et al. 2015 PMID: 25741868, with internal and published modifications).

Labcorp Genetics (formerly Invitae), Labcorp
Classification: Likely benign. Last evaluated: 2024-02-21. Review status: criteria provided, single submitter. Criteria: Invitae Variant Classification Sherloc (09022015). Collection method: clinical testing. Allele origin: germline.